The following is an entry in ClinVar:

ClinVar aggregate classification (germline): Uncertain significance (1 of 4 stars; one submission).

Allele frequency attached by ClinVar (database versions not stated): gnomAD exomes below 0.00001.
gnomAD v4.1: 6 of 1,613,730 alleles (0.00037%); highest among the groups gnomAD compares: Middle Eastern, 0.016%; no homozygotes.

Submission:

GeneDx
Classification: Uncertain significance. Last evaluated: 2025-10-15. Review status: criteria provided, single submitter. Criteria: GeneDx Variant Classification Process June 2021. Collection method: clinical testing. Allele origin: germline.
Comment: Not observed at significant frequency in large population cohorts (gnomAD); In silico analysis suggests that this missense variant does not alter protein structure/function; Has not been previously published as pathogenic or benign to our knowledge

NM_001039213.4(CEACAM16):c.196G>A (p.Ala66Thr)

Genes: CEACAM16 (CEA cell adhesion molecule 16, tectorial membrane component; plus strand), CEACAM16-AS1 (CEACAM16, CEACAM19 and PVR antisense RNA 1; minus strand). Cytogenetic location: 19q13.32.
Variant type: single nucleotide variant.
Coding change: c.196G>A on transcript NM_001039213.4 (MANE Select); coding-DNA position 196, G replaced by A.
Protein change: p.Ala66Thr; replaces alanine 66 with threonine.
Molecular consequence: missense variant.
Genome position (GRCh38, 1-based): chr19:44,703,507, G>A. VCF-style: chr19-44703507-G-A. GRCh37 (hg19) VCF-style: chr19-45206777-G-A.
Other names: short protein forms A66T.
Identifiers: ClinVar variation 1698333 (VCV001698333.3), dbSNP rs978272117, ClinGen allele CA308869806.
Genomic context (GRCh38, chr19:44,703,507, plus strand): 5'-GGGGAACTGCTCGCCTACAGCTGGTATGCGGGGCCCACACTCAGCGTGTCATACCTGGTG[G>A]CCAGCTACATCGTGAGCACAGGCGATGAGACTCCTGGCCCGGCCCACACGGGGCGGGAGG-3'
Protein context (NP_001034302.2, residues 56-76): GPTLSVSYLV[Ala66Thr]SYIVSTGDET